The following is an entry in ClinVar:

ClinVar aggregate classification (germline): Pathogenic. Review status: reviewed by expert panel (3 of 4 stars). 12 submissions from 12 submitters: Pathogenic (1). 11 of the submissions do not count toward it. Last evaluated 2019-12-05.

Conditions:
PTPN11-related disorder. Also called: PTPN11-Related Disorders.
Cardiovascular phenotype. Identifiers: MedGen CN230736.
RASopathy. Also called: rasopathies; Noonan spectrum disorder. Identifiers: Orphanet 536391, MedGen C5555857, MONDO:0021060.
Noonan syndrome (NS). Also called: Noonan's syndrome. Identifiers: Orphanet 648, MedGen C0028326, MeSH D009634, MONDO:0018997. Disease mechanism: gain of function.
Noonan syndrome 1 (NS1). Also called: FEMALE PSEUDO-TURNER SYNDROME; TURNER PHENOTYPE WITH NORMAL KARYOTYPE; PTPN11-Related Noonan Syndrome. Identifiers: Orphanet 648, MedGen C4551602, MONDO:0008104, OMIM 163950. Disease mechanism: gain of function.

Allele frequency attached by ClinVar (database versions not stated): ExAC 0.00001.

Submissions (12):

ClinGen RASopathy Variant Curation Expert Panel
Classification: Pathogenic for RASopathy. Last evaluated: 2019-12-05. Review status: reviewed by expert panel. Criteria: ClinGen RASopathy ACMG Specifications v1. Collection method: curation. Allele origin: germline. Inheritance: Autosomal dominant inheritance.
Comment: The c.205G>C (p.Glu69Gln) variant in PTPN11 has been observed in at least 25 probands diagnosed with autosomal dominant Noonan syndrome (NS) across 7 publications and 2 clinical labs (PS4; PMID: 12634870, 15001945, 20186801, 23624134, 25862627, 26607044, 31560489; Invitae internal data, SCV000659043.3; Institut Universitaire d'Hematologie internal data). This variant was identified as de novo in 6 cases and segregated with disease in 1 additional individual in 1 family (PM6_VS, PP1 not met; Institut Universitaire d'Hematologie internal data; Invitae internal data, SCV000659043.3). It has also been identified in 2 additional probands with NS for whom the cDNA change was not specified, as well as 1 de novo prenatal case (PMID: 26817465, 23321623). The p.Glu69Gln variant has also been seen by multiple clinical labs in several probands without a formal diagnosis of NS or another RASopathy. This variant was absent from large population databases (PM2). It occurs in the N-SH2 domain of the protein, which has been identified as a region important for protein function (PM1; PMID: 29493581). PTPN11 has been defined by the ClinGen RASopathy Expert Panel as a gene with a low rate of benign missense variants and pathogenic missense variants are common (PP2; PMID: 29493581). Computational prediction tools and conservation analyses suggest that this variant may impact the protein (PP3). In summary, this variant meets criteria to be classified as pathogenic for autosomal dominant Noonan syndrome. ACMG/AMP criteria applied: PM6_VS, PS4, PM1, PM2, PP2, PP3.

Ambry Genetics
Classification: Pathogenic for Cardiovascular phenotype. Last evaluated: 2026-06-10. Review status: criteria provided, single submitter. Criteria: Ambry Variant Classification Scheme 2023. Collection method: clinical testing. Allele origin: germline. Not counted in ClinVar's aggregate classification.
Comment: The p.E69Q pathogenic mutation (also known as c.205G>C), located in coding exon 3 of the PTPN11 gene, results from a G to C substitution at nucleotide position 205. The glutamic acid at codon 69 is replaced by glutamine, an amino acid with highly similar properties. This variant was reported in individual(s) with features consistent with Noonan syndrome; in at least one individual, it was determined to be de novo (Musante L et al. Eur. J. Hum. Genet., 2003 Feb;11:201-6; Zenker M et al. J. Pediatr., 2004 Mar;144:368-74; Bertelloni S et al. Hormones (Athens), 2013 Jan-Mar;12:86-92; Croonen EA et al. Eur. J. Hum. Genet., 2013 Sep;21:936-42; izm&aacute;rov&aacute; M et al. Ann. Hum. Genet., 2016 Jan;80:50-62; Atik T et al. Indian J Pediatr, 2016 Jun;83:517-21; Ambry internal data). This amino acid position is highly conserved in available vertebrate species. In addition, this alteration is predicted to be deleterious by in silico analysis. This variant is considered to be rare based on population cohorts in the Genome Aggregation Database (gnomAD). Based on the supporting evidence, this variant is interpreted as a disease-causing mutation for PTPN11-related RASopathy; however, it is unlikely to be causative of metachondromatosis.

PreventionGenetics, part of Exact Sciences
Classification: Pathogenic for PTPN11-related condition. Last evaluated: 2026-05-19. Review status: criteria provided, single submitter. Criteria: ACMG Guidelines, 2015. Collection method: clinical testing. Allele origin: germline. Not counted in ClinVar's aggregate classification.
Comment: The PTPN11 c.205G>C variant is predicted to result in the amino acid substitution p.Glu69Gln. This variant has been repeatedly reported, in some cases as occurring de novo, in individuals with Noonan syndrome (see for example: Musante et al. 2003. PubMed ID: 12634870; Croonen et al. 2013. PubMed ID: 23321623; Atik et al. 2016. PubMed ID: 26817465; Chinton et al. 2019. PubMed ID: 31560489; Swarts et al. 2022. PubMed ID: 35979676). This variant has not been reported in a large population database (gnomAD), indicating this variant is rare, and it has been classified as pathogenic by the ClinGen RASopathy Variant Curation Expert Panel (Variation ID: 40498). Additionally, an alternate missense change impacting the same amino acid (p.Glu69Val) has also been reported in individuals with Noonan syndrome (Pierpont et al. 2009. PubMed ID: 19077116; Brasil et al. 2010. PubMed ID: 20578946). Taken together, the c.205G>C (p.Glu69Gln) variant is interpreted as pathogenic.

MVZ Martinsried, Medicover Genetics
Classification: Pathogenic for Noonan syndrome 1. Last evaluated: 2025-07-01. Review status: criteria provided, single submitter. Criteria: ACGS Guidelines, 2020. Collection method: clinical testing. Allele origin: unknown. Affected: yes. Observed: 1 heterozygote. Not counted in ClinVar's aggregate classification.

GeneDx
Classification: Pathogenic. Last evaluated: 2025-06-20. Review status: criteria provided, single submitter. Criteria: GeneDx Variant Classification Process June 2021. Collection method: clinical testing. Allele origin: germline. Affected: yes. Not counted in ClinVar's aggregate classification.
Comment: In silico analysis supports that this missense variant has a deleterious effect on protein structure/function; Missense variants in this gene are a common cause of disease and they are underrepresented in the general population; Not observed at significant frequency in large population cohorts (gnomAD); This variant is associated with the following publications: (PMID: 15928039, 24803665, 12634870, 23624134, 23321623, 26817465, 15001945, 31560489, 32164556, 31130284, 34643321, 36566191, 35979676, 11992261, 9491886, 16053901, 29493581)

Labcorp Genetics (formerly Invitae), Labcorp
Classification: Pathogenic for RASopathy. Last evaluated: 2025-04-28. Review status: criteria provided, single submitter. Criteria: Invitae Variant Classification Sherloc (09022015). Collection method: clinical testing. Allele origin: germline. Not counted in ClinVar's aggregate classification.
Comment: This sequence change replaces glutamic acid, which is acidic and polar, with glutamine, which is neutral and polar, at codon 69 of the PTPN11 protein (p.Glu69Gln). This variant is not present in population databases (gnomAD no frequency). This missense change has been observed in individual(s) with Noonan syndrome (PMID: 12634870, 15001945, 20186801, 23321623, 23624134, 26817465). In at least one individual the variant was observed to be de novo. ClinVar contains an entry for this variant (Variation ID: 40498). Invitae Evidence Modeling incorporating data from in vitro experimental studies (internal data) indicates that this missense variant is expected to disrupt PTPN11 function with a positive predictive value of 95%. This variant disrupts the p.Glu69 amino acid residue in PTPN11. Other variant(s) that disrupt this residue have been observed in individuals with PTPN11-related conditions (PMID: 19077116, 20186801, 20578946), which suggests that this may be a clinically significant amino acid residue. For these reasons, this variant has been classified as Pathogenic.

Women's Health and Genetics/Laboratory Corporation of America, LabCorp
Classification: Pathogenic for Rasopathy. Last evaluated: 2020-08-17. Review status: criteria provided, single submitter. Criteria: LabCorp Variant Classification Summary - May 2015. Collection method: clinical testing. Allele origin: germline. Not counted in ClinVar's aggregate classification.
Comment: Variant summary: PTPN11 c.205G>C (p.Glu69Gln) results in a conservative amino acid change located in the SH2 domain (IPR000980) of the encoded protein sequence. Four of five in-silico tools predict a damaging effect of the variant on protein function. The variant was absent in 251636 control chromosomes (gnomAD and publication data). c.205G>C has been reported in the literature in multiple individuals affected with Noonan Syndrome including one individual determined as de novo (Musante_2003, Zenker_2004, Pierpont_2010, Croonen_2013, Atik_2016, Chinton_2019). These data indicate that the variant is very likely to be associated with disease. To our knowledge, no experimental evidence demonstrating an impact on protein function has been reported. Six ClinVar submitters (evaluation after 2014), including one expert panel (ClinGen RASopathy Variant Curation Expert Panel), cite the variant as pathogenic. Based on the evidence outlined above, the variant was classified as pathogenic.

CeGaT Center for Human Genetics Tuebingen
Classification: Pathogenic. Last evaluated: 2020-07-01. Review status: criteria provided, single submitter. Criteria: CeGaT Center For Human Genetics Tuebingen Variant Classification Criteria Version 2. Collection method: clinical testing. Allele origin: germline. Affected: yes. Observed: 1 variant allele. Not counted in ClinVar's aggregate classification.

Eurofins Ntd Llc (ga)
Classification: Pathogenic. Last evaluated: 2018-05-18. Review status: criteria provided, single submitter. Criteria: EGL ClinVar v180209 classification definitions. Collection method: clinical testing. Allele origin: germline. Observed: 1 variant allele, 1 heterozygote. Not counted in ClinVar's aggregate classification.

Laboratory for Molecular Medicine, Mass General Brigham Personalized Medicine
Classification: Pathogenic for Noonan syndrome. Last evaluated: 2016-02-11. Review status: criteria provided, single submitter. Criteria: LMM Criteria. Collection method: clinical testing. Allele origin: germline. Inheritance: Autosomal dominant inheritance. Observed: 2 variant alleles. Not counted in ClinVar's aggregate classification.
Comment: proposed classification - variant undergoing re-assessment, contact laboratory

Juno Genomics, Hangzhou Juno Genomics, Inc
Classification: Pathogenic for Noonan syndrome 1. Review status: criteria provided, single submitter. Criteria: ACMG Guidelines, 2015. Collection method: clinical testing. Allele origin: germline. Affected: yes. Not counted in ClinVar's aggregate classification.
Comment: Absent from controls (or at extremely low frequency if recessive) in Genome Aggregation Database, Exome Sequencing Project, 1000 Genomes Project, or Exome Aggregation Consortium.;Missense variant in a gene that has a low rate of benign missense variation and where missense variants are a common mechanism of disease.;Multiple lines of computational evidence support a deleterious effect on the gene or gene product (conservation, evolutionary, splicing impact, etc).;The prevalence of the variant in affected individuals is significantly increased compared to the prevalence in controls.;Assumed de novo, but without confirmation of paternity and maternity.;Located in a mutational hot spot and/or critical and well-established functional domain (e.g. active site of an enzyme) without benign variation.

Baylor Genetics
Classification: Pathogenic for Rasopathy. Review status: no assertion criteria provided. Collection method: clinical testing. Allele origin: unknown. Affected: yes. Not counted in ClinVar's aggregate classification.
Comment: Variant classified using ACMG guidelines

Literature cited by the submitters: PubMed 12634870 (cited by 6 submitters); PubMed 26607044 (cited by ClinGen RASopathy Variant Curation Expert Panel and Ambry Genetics); PubMed 20186801 (cited by 3 submitters); PubMed 31560489 (cited by ClinGen RASopathy Variant Curation Expert Panel and Women's Health and Genetics/Laboratory Corporation of America, LabCorp); PubMed 25862627 (cited by ClinGen RASopathy Variant Curation Expert Panel and Ambry Genetics); PubMed 15001945 (cited by 4 submitters); PubMed 23624134 (cited by 4 submitters); PubMed 22681964 (cited by Ambry Genetics); PubMed 23321623 (cited by 4 submitters); PubMed 26817465 (cited by 3 submitters); PubMed 19077116 (cited by Labcorp Genetics (formerly Invitae), Labcorp); PubMed 20578946 (cited by Labcorp Genetics (formerly Invitae), Labcorp); PubMed 24803665 (cited by Women's Health and Genetics/Laboratory Corporation of America, LabCorp); PubMed 15928039 (cited by Laboratory for Molecular Medicine, Mass General Brigham Personalized Medicine).

NM_002834.5(PTPN11):c.205G>C (p.Glu69Gln)

Gene: PTPN11 (protein tyrosine phosphatase non-receptor type 11; plus strand). Cytogenetic location: 12q24.13.
Variant type: single nucleotide variant.
Coding change: c.205G>C on transcript NM_002834.5 (MANE Select); coding-DNA position 205, G replaced by C.
Protein change: p.Glu69Gln; replaces glutamic acid 69 with glutamine.
Molecular consequence: missense variant.
Genome position (GRCh38, 1-based): chr12:112,450,385, G>C. VCF-style: chr12-112450385-G-C. GRCh37 (hg19) VCF-style: chr12-112888189-G-C.
Other names: p.E69Q:GAG>CAG; c.205G>C, p.Glu69Gln (NM_001330437.2, NM_080601.3); c.202G>C, p.Glu68Gln (NM_001374625.1); c.205G>C (NM_002834.4); short protein forms E69Q, E68Q.
Identifiers: ClinVar variation 40498 (VCV000040498.75), dbSNP rs397507511, ClinGen allele CA261565.